The following is an entry in ClinVar:

ClinVar aggregate classification (germline): Uncertain significance. Review status: criteria provided, multiple submitters, no conflicts (2 of 4 stars). 4 submissions from 4 submitters: Uncertain significance (3). 1 of the submissions does not count toward it. Last evaluated 2024-06-05.

Conditions:
Bardet-Biedl syndrome (BBS). Identifiers: Orphanet 110, MedGen C0752166, MONDO:0015229.
BBS4-related disorder. Also called: BBS4-related condition.
Bardet-Biedl syndrome 4 (BBS4). Identifiers: Orphanet 110, MedGen C2936864, MONDO:0014433, OMIM 615982.

Allele frequency attached by ClinVar (database versions not stated): gnomAD exomes below 0.00001; ExAC 0.00001; gnomAD 0.00005; TOPMed 0.00006.
gnomAD v4.1: 10 of 1,611,800 alleles (0.00062%); highest among the groups gnomAD compares: African/African-American, 0.013%; no homozygotes.

Submissions (4):

Fulgent Genetics
Classification: Uncertain significance for Bardet-Biedl syndrome 4. Last evaluated: 2024-06-05. Review status: criteria provided, single submitter. Criteria: ACMG Guidelines, 2015. Collection method: clinical testing. Allele origin: germline.

Blueprint Genetics
Classification: Uncertain significance. Last evaluated: 2022-09-09. Review status: criteria provided, single submitter. Criteria: ACMG Guidelines, 2015. Collection method: clinical testing. Allele origin: germline.

Labcorp Genetics (formerly Invitae), Labcorp
Classification: Uncertain significance for Bardet-Biedl syndrome. Last evaluated: 2022-05-16. Review status: criteria provided, single submitter. Criteria: Invitae Variant Classification Sherloc (09022015). Collection method: clinical testing. Allele origin: germline.
Comment: This sequence change replaces leucine, which is neutral and non-polar, with serine, which is neutral and polar, at codon 210 of the BBS4 protein (p.Leu210Ser). The frequency data for this variant in the population databases is considered unreliable, as metrics indicate poor data quality at this position in the gnomAD database. This variant has not been reported in the literature in individuals affected with BBS4-related conditions. Algorithms developed to predict the effect of missense changes on protein structure and function are either unavailable or do not agree on the potential impact of this missense change (SIFT: "Deleterious"; PolyPhen-2: "Probably Damaging"; Align-GVGD: "Class C0"). In summary, the available evidence is currently insufficient to determine the role of this variant in disease. Therefore, it has been classified as a Variant of Uncertain Significance.

PreventionGenetics, part of Exact Sciences
Classification: Uncertain significance for BBS4-related condition. Last evaluated: 2024-09-25. Review status: no assertion criteria provided. Collection method: clinical testing. Allele origin: germline. Not counted in ClinVar's aggregate classification.
Comment: The BBS4 c.629T>C variant is predicted to result in the amino acid substitution p.Leu210Ser. To our knowledge, this variant has not been reported in the literature. This variant is reported in 0.012% of alleles in individuals of African descent in gnomAD. At this time, the clinical significance of this variant is uncertain due to the absence of conclusive functional and genetic evidence.

NM_033028.5(BBS4):c.629T>C (p.Leu210Ser)

Gene: BBS4 (Bardet-Biedl syndrome 4; plus strand). Cytogenetic location: 15q24.1.
Variant type: single nucleotide variant.
Coding change: c.629T>C on transcript NM_033028.5 (MANE Select); coding-DNA position 629, T replaced by C.
Protein change: p.Leu210Ser; replaces leucine 210 with serine.
Molecular consequence: missense variant. On other transcripts: non-coding transcript variant (2).
Genome position (GRCh38, 1-based): chr15:72,727,981, T>C. VCF-style: chr15-72727981-T-C. GRCh37 (hg19) VCF-style: chr15-73020322-T-C.
Other names: c.113T>C, p.Leu38Ser (NM_001252678.2); c.629T>C, p.Leu210Ser (NM_001320665.2); c.629T>C (NM_033028.4); short protein forms L210S, L38S.
Identifiers: ClinVar variation 2141070 (VCV002141070.4), dbSNP rs748134347, ClinGen allele CA7646699.